The following is an entry in ClinVar:

ClinVar aggregate classification (germline): Uncertain significance. Review status: criteria provided, multiple submitters, no conflicts (2 of 4 stars). 2 submissions from 2 submitters: Uncertain significance (2). Last evaluated 2023-07-03.

Conditions:
Hereditary cancer-predisposing syndrome. Also called: Tumor predisposition; Hereditary Cancer Syndrome; Hereditary neoplastic syndrome; Neoplastic Syndromes, Hereditary. Identifiers: Orphanet 140162, MedGen C0027672, MeSH D009386, MONDO:0015356.
Parathyroid carcinoma (PRTC). Also called: Parathyroid gland carcinoma; CDC73-Related Parathyroid Carcinoma. Identifiers: Orphanet 143, MedGen C0687150, MONDO:0012004, OMIM 608266, HP:0006780.

Allele frequency attached by ClinVar (database versions not stated): TOPMed below 0.00001; gnomAD 0.00001.
gnomAD v4.1: 1 of 1,610,798 alleles (0.000062%); highest among the groups gnomAD compares: African/African-American, 0.0013%; no homozygotes.

Submissions (2):

Ambry Genetics
Classification: Uncertain significance for Hereditary cancer-predisposing syndrome. Last evaluated: 2023-07-03. Review status: criteria provided, single submitter. Criteria: Ambry Variant Classification Scheme 2023. Collection method: clinical testing. Allele origin: germline.
Comment: The p.K308Q variant (also known as c.922A>C), located in coding exon 10 of the CDC73 gene, results from an A to C substitution at nucleotide position 922. The lysine at codon 308 is replaced by glutamine, an amino acid with similar properties. This amino acid position is conserved. In addition, this alteration is predicted to be tolerated by in silico analysis. Since supporting evidence is limited at this time, the clinical significance of this alteration remains unclear.

Labcorp Genetics (formerly Invitae), Labcorp
Classification: Uncertain significance for Parathyroid carcinoma. Last evaluated: 2023-03-24. Review status: criteria provided, single submitter. Criteria: Invitae Variant Classification Sherloc (09022015). Collection method: clinical testing. Allele origin: germline.
Comment: This variant has not been reported in the literature in individuals affected with CDC73-related conditions. In summary, the available evidence is currently insufficient to determine the role of this variant in disease. Therefore, it has been classified as a Variant of Uncertain Significance. Advanced modeling of protein sequence and biophysical properties (such as structural, functional, and spatial information, amino acid conservation, physicochemical variation, residue mobility, and thermodynamic stability) performed at Invitae indicates that this missense variant is not expected to disrupt CDC73 protein function. This variant is not present in population databases (gnomAD no frequency). This sequence change replaces lysine, which is basic and polar, with glutamine, which is neutral and polar, at codon 308 of the CDC73 protein (p.Lys308Gln).

NM_024529.5(CDC73):c.922A>C (p.Lys308Gln)

Gene: CDC73 (cell division cycle 73; plus strand). Cytogenetic location: 1q31.2.
Variant type: single nucleotide variant.
Coding change: c.922A>C on transcript NM_024529.5 (MANE Select); coding-DNA position 922, A replaced by C.
Protein change: p.Lys308Gln; replaces lysine 308 with glutamine.
Molecular consequence: missense variant.
Genome position (GRCh38, 1-based): chr1:193,152,394, A>C. VCF-style: chr1-193152394-A-C. GRCh37 (hg19) VCF-style: chr1-193121524-A-C.
Other names: short protein forms K308Q.
Identifiers: ClinVar variation 2624668 (VCV002624668.4), dbSNP rs1183049109, ClinGen allele CA343965767.